The following is an entry in ClinVar:

NM_001267550.2(TTN):c.103710del (p.Trp34570fs)

Genes: TTN (titin; minus strand), TTN-AS1 (TTN antisense RNA 1; plus strand). Cytogenetic location: 2q31.2.
Variant type: Deletion.
Coding change: c.103710del on transcript NM_001267550.2 (MANE Select); coding-DNA position 103710, one base deleted (G; older notation c.103710delG).
Protein change: p.Trp34570fs; shifts the reading frame from tryptophan 34570.
Molecular consequence: frameshift variant.
Genome position (GRCh38, 1-based): chr2:178,532,905, C deleted on the plus strand (G on the coding strand, the reverse complement: TTN is on the minus strand); the first of 2 consecutive C bases (chr2:178,532,905-178,532,906); deleting either gives the same sequence. VCF-style (leftmost placement, unchanged base first): chr2-178532904-AC-A. GRCh37 (hg19) VCF-style: chr2-179397631-AC-A.
Other names: c.98787del, p.Trp32929fs (NM_001256850.1); c.76515del, p.Trp25505fs (NM_003319.4); c.96006del, p.Trp32002fs (NM_133378.4); c.76890del, p.Trp25630fs (NM_133432.3); c.77091del, p.Trp25697fs (NM_133437.4); short protein forms W25505fs, W25630fs, W25697fs, W32002fs, W32929fs, W34570fs.
Identifiers: ClinVar variation 4823604 (VCV004823604.4).

ClinVar aggregate classification (germline): Likely pathogenic (1 of 4 stars; one submission).

Submission:

CeGaT Center for Human Genetics Tuebingen
Classification: Likely pathogenic. Last evaluated: 2026-03-01. Review status: criteria provided, single submitter. Criteria: CeGaT Center For Human Genetics Tuebingen Variant Classification Criteria Version 2. Collection method: clinical testing. Allele origin: germline. Affected: yes. Observed: 1 variant allele.
Comment: TTN: PVS1:Strong, PM2